The following is an entry in ClinVar:

NM_001122659.3(EDNRB):c.1219T>G (p.Ser407Ala)

Genes: EDNRB (endothelin receptor type B; minus strand), EDNRB-AS1 (EDNRB antisense RNA 1; plus strand). Cytogenetic location: 13q22.3.
Variant type: single nucleotide variant.
Coding change: c.1219T>G on transcript NM_001122659.3 (MANE Select); coding-DNA position 1219, T replaced by G.
Protein change: p.Ser407Ala; replaces serine 407 with alanine.
Molecular consequence: missense variant. On other transcripts: intron variant (1).
Genome position (GRCh38, 1-based): chr13:77,898,310, A>C on the plus strand (T>G on the coding strand, the complement: EDNRB is on the minus strand). VCF-style: chr13-77898310-A-C. GRCh37 (hg19) VCF-style: chr13-78472445-A-C.
Other names: c.1219T>G, p.Ser407Ala (NM_000115.5); c.1489T>G, p.Ser497Ala (NM_001201397.2); c.1194+1549T>G (NM_003991.4); short protein forms S407A, S497A.
Identifiers: ClinVar variation 3611219 (VCV003611219.2).

ClinVar aggregate classification (germline): Uncertain significance (1 of 4 stars; one submission).

Submission:

Labcorp Genetics (formerly Invitae), Labcorp
Classification: Uncertain significance. Last evaluated: 2024-11-28. Review status: criteria provided, single submitter. Criteria: Invitae Variant Classification Sherloc (09022015). Collection method: clinical testing. Allele origin: germline.
Comment: This sequence change replaces serine, which is neutral and polar, with alanine, which is neutral and non-polar, at codon 407 of the EDNRB protein (p.Ser407Ala). This variant is not present in population databases (gnomAD no frequency). This variant has not been reported in the literature in individuals affected with EDNRB-related conditions. Invitae Evidence Modeling of protein sequence and biophysical properties (such as structural, functional, and spatial information, amino acid conservation, physicochemical variation, residue mobility, and thermodynamic stability) indicates that this missense variant is not expected to disrupt EDNRB protein function with a negative predictive value of 80%. In summary, the available evidence is currently insufficient to determine the role of this variant in disease. Therefore, it has been classified as a Variant of Uncertain Significance.